The following is an entry in ClinVar:

NM_001142864.4(PIEZO1):c.7529_7546dup (p.Lys2515_Trp2516insSerGluThrMetIleLys)

Gene: PIEZO1 (piezo type mechanosensitive ion channel component 1 (Er blood group); minus strand). Cytogenetic location: 16q24.3.
Variant type: Duplication.
Coding change: c.7529_7546dup on transcript NM_001142864.4 (MANE Select); coding-DNA positions 7529 to 7546, 18 bases duplicated (CGGAGACCATGATCAAGT).
Protein change: p.Lys2515_Trp2516insSerGluThrMetIleLys.
Molecular consequence: inframe insertion.
Genome position (GRCh38, 1-based): chr16:88,715,625-88,715,642, ACTTGATCATGGTCTCCG duplicated on the plus strand (CGGAGACCATGATCAAGT on the coding strand, the reverse complement: PIEZO1 is on the minus strand). VCF-style (leftmost placement, unchanged base first): chr16-88715624-C-CACTTGATCATGGTCTCCG. GRCh37 (hg19) VCF-style: chr16-88782032-C-CACTTGATCATGGTCTCCG.
Identifiers: ClinVar variation 3902835 (VCV003902835.1).

ClinVar aggregate classification (germline): Uncertain significance (1 of 4 stars; one submission).

Conditions:
Dehydrated hereditary stomatocytosis with or without pseudohyperkalemia and/or perinatal edema (DHS1). Also called: PSEUDOHYPERKALEMIA EDINBURGH; DEHYDRATED HEREDITARY STOMATOCYTOSIS AND PSEUDOHYPERKALEMIA; DEHYDRATED HEREDITARY STOMATOCYTOSIS WITH PSEUDOHYPERKALEMIA AND PERINATAL EDEMA; Pseudohyperkalemia, familial, 1, due to red cell leak; Dehydrated hereditary stomatocytosis 1 with or without pseudohyperkalemia and/or perinatal edema. Identifiers: Orphanet 3202, MedGen C4551512, MONDO:0008689, OMIM 194380.

Submission:

Department of Traditional Chinese Medicine, Fujian Provincial Hospital
Classification: Uncertain significance for Dehydrated hereditary stomatocytosis with or without pseudohyperkalemia and/or perinatal edema. Review status: criteria provided, single submitter. Criteria: ACMG Guidelines, 2015. Collection method: research. Allele origin: inherited.
Comment: According to ACMG guidelines, the mutation point accords with PM2_Supporting (Absent from controls in Exome Sequencing Project, 1000 Genomes or ExAC) and PM4 (Protein length changes due to in-frame deletions/insertions in a non-repeat region or stop-loss variants), so the pathogenicity of this variant is not clear.

Literature cited by the submitters: PubMed 36864026.